The following is an entry in ClinVar:

NM_020949.3(SLC7A14):c.427T>G (p.Tyr143Asp)

Genes: SLC7A14 (solute carrier family 7 member 14; minus strand), SLC7A14-AS1 (SLC7A14 antisense RNA 1; plus strand). Cytogenetic location: 3q26.2.
Variant type: single nucleotide variant.
Coding change: c.427T>G on transcript NM_020949.3 (MANE Select); coding-DNA position 427, T replaced by G.
Protein change: p.Tyr143Asp; replaces tyrosine 143 with aspartic acid.
Molecular consequence: missense variant.
Genome position (GRCh38, 1-based): chr3:170,501,223, A>C on the plus strand (T>G on the coding strand, the complement: SLC7A14 is on the minus strand). VCF-style: chr3-170501223-A-C. GRCh37 (hg19) VCF-style: chr3-170219012-A-C.
Other names: c.427T>G (NM_020949.2); short protein forms Y143D.
Identifiers: ClinVar variation 1345589 (VCV001345589.7), dbSNP rs748750253, ClinGen allele CA355517189.

ClinVar aggregate classification (germline): Uncertain significance. Review status: criteria provided, multiple submitters, no conflicts (2 of 4 stars). 2 submissions from 2 submitters: Uncertain significance (2). Last evaluated 2025-01-01.

Allele frequency attached by ClinVar (database versions not stated): TOPMed below 0.00001.

Submissions (2):

Ambry Genetics
Classification: Uncertain significance. Last evaluated: 2025-01-01. Review status: criteria provided, single submitter. Criteria: Ambry Variant Classification Scheme 2023. Collection method: clinical testing. Allele origin: germline.

Labcorp Genetics (formerly Invitae), Labcorp
Classification: Uncertain significance. Last evaluated: 2022-09-13. Review status: criteria provided, single submitter. Criteria: Invitae Variant Classification Sherloc (09022015). Collection method: clinical testing. Allele origin: germline.
Comment: This variant has not been reported in the literature in individuals affected with SLC7A14-related conditions. This variant is not present in population databases (gnomAD no frequency). This sequence change replaces tyrosine, which is neutral and polar, with aspartic acid, which is acidic and polar, at codon 143 of the SLC7A14 protein (p.Tyr143Asp). In summary, the available evidence is currently insufficient to determine the role of this variant in disease. Therefore, it has been classified as a Variant of Uncertain Significance. Algorithms developed to predict the effect of missense changes on protein structure and function are either unavailable or do not agree on the potential impact of this missense change (SIFT: "Deleterious"; PolyPhen-2: "Probably Damaging"; Align-GVGD: "Class C0"). ClinVar contains an entry for this variant (Variation ID: 1345589).